The following is an entry in ClinVar:

ClinVar aggregate classification (germline): Uncertain significance (1 of 4 stars; one submission).

Conditions:
Hypertrophic cardiomyopathy 1 (CMH1). Also called: Familial hypertrophic cardiomyopathy 1; MYH7-Related Familial Hypertrophic Cardiomyopathy. Identifiers: MedGen C3495498, MONDO:0008647, OMIM 192600.

gnomAD v4.1: 3 of 1,613,700 alleles (0.00019%); highest among the groups gnomAD compares: Admixed American, 0.0017%; no homozygotes.

Submission:

Labcorp Genetics (formerly Invitae), Labcorp
Classification: Uncertain significance for Hypertrophic cardiomyopathy 1. Last evaluated: 2024-12-04. Review status: criteria provided, single submitter. Criteria: Invitae Variant Classification Sherloc (09022015). Collection method: clinical testing. Allele origin: germline.
Comment: This sequence change replaces proline, which is neutral and non-polar, with arginine, which is basic and polar, at codon 268 of the MYLK2 protein (p.Pro268Arg). This variant is present in population databases (rs372639122, gnomAD 0.003%). This variant has not been reported in the literature in individuals affected with MYLK2-related conditions. Invitae Evidence Modeling of protein sequence and biophysical properties (such as structural, functional, and spatial information, amino acid conservation, physicochemical variation, residue mobility, and thermodynamic stability) indicates that this missense variant is not expected to disrupt MYLK2 protein function with a negative predictive value of 80%. In summary, the available evidence is currently insufficient to determine the role of this variant in disease. Therefore, it has been classified as a Variant of Uncertain Significance.

NM_033118.4(MYLK2):c.803C>G (p.Pro268Arg)

Gene: MYLK2 (myosin light chain kinase 2; plus strand). Cytogenetic location: 20q11.21.
Variant type: single nucleotide variant.
Coding change: c.803C>G on transcript NM_033118.4 (MANE Select); coding-DNA position 803, C replaced by G.
Protein change: p.Pro268Arg; replaces proline 268 with arginine.
Molecular consequence: missense variant.
Genome position (GRCh38, 1-based): chr20:31,823,507, C>G. VCF-style: chr20-31823507-C-G. GRCh37 (hg19) VCF-style: chr20-30411310-C-G.
Other names: short protein forms P268R.
Identifiers: ClinVar variation 3615735 (VCV003615735.2).